The following is an entry in ClinVar:

ClinVar aggregate classification (germline): Conflicting classifications of pathogenicity. Review status: criteria provided, conflicting classifications (1 of 4 stars). 3 submissions from 3 submitters: Uncertain significance (2); Likely benign (1). Last evaluated 2025-03-02.

Conditions:
Cardiovascular phenotype. Identifiers: MedGen CN230736.
Familial hypobetalipoproteinemia 1. Also called: APOB-Related Familial Hypobetalipoproteinemia; Hypobetalipoproteinemia, normotriglyceridemic; Acanthocytosis with hypobetalipoproteinemia. Identifiers: MedGen C4551990, MONDO:0014252, OMIM 615558.
Hypercholesterolemia, autosomal dominant, type B (FHCL2). Also called: Familial Hypercholesterolemia Type B; APOLIPOPROTEIN B-100, FAMILIAL DEFECTIVE; APOLIPOPROTEIN B-100, FAMILIAL LIGAND-DEFECTIVE; HYPERCHOLESTEROLEMIA, FAMILIAL, DUE TO LIGAND-DEFECTIVE APOLIPOPROTEIN B; Hyperlipoproteinemia Type IIb; Familial hypercholesterolemia 2. Identifiers: MedGen C1704417, MONDO:0007751, OMIM 144010.

Allele frequency attached by ClinVar (database versions not stated): ExAC 0.00001; gnomAD 0.00001; TOPMed 0.00001; gnomAD exomes below 0.00001.
gnomAD v4.1: 3 of 1,613,980 alleles (0.00019%); highest among the groups gnomAD compares: Admixed American, 0.005%; no homozygotes.

Submissions (3):

Ambry Genetics
Classification: Uncertain significance for Cardiovascular phenotype. Last evaluated: 2025-03-02. Review status: criteria provided, single submitter. Criteria: Ambry Variant Classification Scheme 2023. Collection method: clinical testing. Allele origin: germline.
Comment: The p.P2033S variant (also known as c.6097C>T), located in coding exon 26 of the APOB gene, results from a C to T substitution at nucleotide position 6097. The proline at codon 2033 is replaced by serine, an amino acid with similar properties. This amino acid position is conserved. In addition, this alteration is predicted to be tolerated by in silico analysis. Based on the available evidence, the clinical significance of this variant remains unclear.

GeneDx
Classification: Uncertain significance. Last evaluated: 2024-11-20. Review status: criteria provided, single submitter. Criteria: GeneDx Variant Classification Process June 2021. Collection method: clinical testing. Allele origin: germline. Affected: yes.
Comment: Not observed at significant frequency in large population cohorts (gnomAD); In silico analysis supports that this missense variant has a deleterious effect on protein structure/function; Has not been previously published as pathogenic or benign to our knowledge

Labcorp Genetics (formerly Invitae), Labcorp
Classification: Likely benign for Familial hypobetalipoproteinemia 1; Hypercholesterolemia, autosomal dominant, type B. Last evaluated: 2024-07-30. Review status: criteria provided, single submitter. Criteria: Invitae Variant Classification Sherloc (09022015). Collection method: clinical testing. Allele origin: germline.

NM_000384.3(APOB):c.6097C>T (p.Pro2033Ser)

Gene: APOB (apolipoprotein B; minus strand). Cytogenetic location: 2p24.1.
Variant type: single nucleotide variant.
Coding change: c.6097C>T on transcript NM_000384.3 (MANE Select); coding-DNA position 6097, C replaced by T.
Protein change: p.Pro2033Ser; replaces proline 2033 with serine.
Molecular consequence: missense variant.
Genome position (GRCh38, 1-based): chr2:21,010,771, G>A on the plus strand (C>T on the coding strand, the complement: APOB is on the minus strand). VCF-style: chr2-21010771-G-A. GRCh37 (hg19) VCF-style: chr2-21233643-G-A.
Other names: c.6097C>T (NM_000384.2); short protein forms P2033S.
Identifiers: ClinVar variation 2932068 (VCV002932068.6), dbSNP rs747111881, ClinGen allele CA062876.